The following is an entry in ClinVar:

ClinVar aggregate classification (germline): Uncertain significance (1 of 4 stars; one submission).

Conditions:
Immunodeficiency-centromeric instability-facial anomalies syndrome 2 (ICF2). Identifiers: Orphanet 2268, MedGen C3279748, MONDO:0013553, OMIM 614069.

Allele frequency attached by ClinVar (database versions not stated): gnomAD 0.00001; ExAC 0.00002; gnomAD exomes 0.00002; TOPMed 0.00002; ESP Exome Variant Server 0.00008.
gnomAD v4.1: 37 of 1,614,190 alleles (0.0023%); highest among the groups gnomAD compares: Admixed American, 0.0067%; no homozygotes.

Submission:

Labcorp Genetics (formerly Invitae), Labcorp
Classification: Uncertain significance for Immunodeficiency-centromeric instability-facial anomalies syndrome 2. Last evaluated: 2021-12-19. Review status: criteria provided, single submitter. Criteria: Invitae Variant Classification Sherloc (09022015). Collection method: clinical testing. Allele origin: germline.
Comment: This sequence change replaces asparagine, which is neutral and polar, with serine, which is neutral and polar, at codon 306 of the ZBTB24 protein (p.Asn306Ser). This variant is present in population databases (rs375086477, gnomAD 0.006%). This variant has not been reported in the literature in individuals affected with ZBTB24-related conditions. Algorithms developed to predict the effect of missense changes on protein structure and function output the following: SIFT: "Not Available"; PolyPhen-2: "Benign"; Align-GVGD: "Not Available". The serine amino acid residue is found in multiple mammalian species, which suggests that this missense change does not adversely affect protein function. In summary, the available evidence is currently insufficient to determine the role of this variant in disease. Therefore, it has been classified as a Variant of Uncertain Significance.

NM_014797.3(ZBTB24):c.917A>G (p.Asn306Ser)

Gene: ZBTB24 (zinc finger and BTB domain containing 24; minus strand). Cytogenetic location: 6q21.
Variant type: single nucleotide variant.
Coding change: c.917A>G on transcript NM_014797.3 (MANE Select); coding-DNA position 917, A replaced by G.
Protein change: p.Asn306Ser; replaces asparagine 306 with serine.
Molecular consequence: missense variant.
Genome position (GRCh38, 1-based): chr6:109,481,110, T>C on the plus strand (A>G on the coding strand, the complement: ZBTB24 is on the minus strand). VCF-style: chr6-109481110-T-C. GRCh37 (hg19) VCF-style: chr6-109802313-T-C.
Other names: c.917A>G, p.Asn306Ser (NM_001164313.2); short protein forms N306S.
Identifiers: ClinVar variation 1934021 (VCV001934021.2), dbSNP rs375086477, ClinGen allele CA3954258.
Genomic context (GRCh38, chr6:109,481,110, plus strand): 5'-CAATCAGCTTTGAAAACATCATTACCTGTGTGGCTCCTCTGGTGGATTGCTAAAAAGTGA[T>C]TGTACTTAAAGACCTTGCCACAGTCTTTACAGCGGGCCTCAGGGCCTCCAGGGCGCTTTC-3'
Protein context (NP_055612.2, residues 296-316): CKDCGKVFKY[Asn306Ser]HFLAIHQRSH